The following is an entry in ClinVar:

NM_001291303.3(FAT4):c.12547T>C (p.Trp4183Arg)

Gene: FAT4 (FAT atypical cadherin 4; plus strand). Cytogenetic location: 4q28.1.
Variant type: single nucleotide variant.
Coding change: c.12547T>C on transcript NM_001291303.3 (MANE Select); coding-DNA position 12547, T replaced by C.
Protein change: p.Trp4183Arg; replaces tryptophan 4183 with arginine.
Molecular consequence: missense variant.
Genome position (GRCh38, 1-based): chr4:125,479,808, T>C. VCF-style: chr4-125479808-T-C. GRCh37 (hg19) VCF-style: chr4-126400963-T-C.
Other names: c.12547T>C, p.Trp4183Arg (NM_001291285.3); c.12541T>C, p.Trp4181Arg (NM_024582.6); short protein forms W4181R, W4183R.
Identifiers: ClinVar variation 2186509 (VCV002186509.3), dbSNP rs1319224391, ClinGen allele CA358132248.

ClinVar aggregate classification (germline): Uncertain significance. Review status: criteria provided, multiple submitters, no conflicts (2 of 4 stars). 2 submissions from 2 submitters: Uncertain significance (2). Last evaluated 2022-06-30.

Allele frequency attached by ClinVar (database versions not stated): gnomAD exomes below 0.00001; TOPMed below 0.00001.

Submissions (2):

Labcorp Genetics (formerly Invitae), Labcorp
Classification: Uncertain significance. Last evaluated: 2022-06-30. Review status: criteria provided, single submitter. Criteria: Invitae Variant Classification Sherloc (09022015). Collection method: clinical testing. Allele origin: germline.
Comment: In summary, the available evidence is currently insufficient to determine the role of this variant in disease. Therefore, it has been classified as a Variant of Uncertain Significance. Advanced modeling of protein sequence and biophysical properties (such as structural, functional, and spatial information, amino acid conservation, physicochemical variation, residue mobility, and thermodynamic stability) performed at Invitae indicates that this missense variant is not expected to disrupt FAT4 protein function. This variant has not been reported in the literature in individuals affected with FAT4-related conditions. This variant is present in population databases (no rsID available, gnomAD 0.003%). This sequence change replaces tryptophan, which is neutral and slightly polar, with arginine, which is basic and polar, at codon 4181 of the FAT4 protein (p.Trp4181Arg).

Blueprint Genetics
Classification: Uncertain significance. Last evaluated: 2021-12-14. Review status: criteria provided, single submitter. Criteria: ACMG Guidelines, 2015. Collection method: clinical testing. Allele origin: germline.